The following is an entry in ClinVar:

ClinVar aggregate classification (germline): Uncertain significance (1 of 4 stars; one submission).

Conditions:
Left ventricular noncompaction 8 (LVNC8). Identifiers: Orphanet 154, Orphanet 54260, MedGen C3809288, MONDO:0014152, OMIM 615373.

gnomAD v4.1: 1 of 1,613,616 alleles (0.000062%); no homozygotes.

Submission:

Labcorp Genetics (formerly Invitae), Labcorp
Classification: Uncertain significance for Left ventricular noncompaction 8. Last evaluated: 2025-03-31. Review status: criteria provided, single submitter. Criteria: Invitae Variant Classification Sherloc (09022015). Collection method: clinical testing. Allele origin: germline.
Comment: This sequence change replaces asparagine, which is neutral and polar, with serine, which is neutral and polar, at codon 1046 of the PRDM16 protein (p.Asn1046Ser). This variant is not present in population databases (gnomAD no frequency). This variant has not been reported in the literature in individuals affected with PRDM16-related conditions. ClinVar contains an entry for this variant (Variation ID: 1468210). An algorithm developed to predict the effect of missense changes on protein structure and function (PolyPhen-2) suggests that this variant is likely to be disruptive. In summary, the available evidence is currently insufficient to determine the role of this variant in disease. Therefore, it has been classified as a Variant of Uncertain Significance.

NM_022114.4(PRDM16):c.3137A>G (p.Asn1046Ser)

Gene: PRDM16 (PR/SET domain 16; plus strand). Cytogenetic location: 1p36.32.
Variant type: single nucleotide variant.
Coding change: c.3137A>G on transcript NM_022114.4 (MANE Select); coding-DNA position 3137, A replaced by G.
Protein change: p.Asn1046Ser; replaces asparagine 1046 with serine.
Molecular consequence: missense variant.
Genome position (GRCh38, 1-based): chr1:3,426,078, A>G. VCF-style: chr1-3426078-A-G. GRCh37 (hg19) VCF-style: chr1-3342642-A-G.
Other names: c.3137A>G, p.Asn1046Ser (NM_199454.3); short protein forms N1046S.
Identifiers: ClinVar variation 1468210 (VCV001468210.8), dbSNP rs976929581, ClinGen allele CA16985008.